The following is an entry in ClinVar:

ClinVar aggregate classification (germline): Likely pathogenic (1 of 4 stars; one submission).

Conditions:
Peutz-Jeghers syndrome (PJS). Also called: POLYPOSIS, HAMARTOMATOUS INTESTINAL; POLYPS-AND-SPOTS SYNDROME; Peutz-Jeghers polyposis; Periorificial lentiginosis syndrome. Identifiers: Orphanet 2869, MedGen C0031269, MeSH D010580, MONDO:0008280, OMIM 175200.

Submission:

Myriad Genetics, Inc.
Classification: Likely pathogenic for Peutz-Jeghers syndrome. Last evaluated: 2024-02-09. Review status: criteria provided, single submitter. Criteria: Myriad Autosomal Dominant, Autosomal Recessive and X-Linked Classification Criteria (2023). Collection method: clinical testing. Allele origin: unknown.
Comment: This variant is considered likely pathogenic. This variant occurs within a consensus splice junction and is predicted to result in abnormal mRNA splicing of either an out-of-frame exon or an in-frame exon necessary for protein stability and/or normal function.

NM_000455.5(STK11):c.290+1_290+2del

Gene: STK11 (serine/threonine kinase 11; plus strand). Cytogenetic location: 19p13.3.
Variant type: Deletion.
Coding change: c.290+1_290+2del on transcript NM_000455.5 (MANE Select); the canonical splice donor site of the intron after coding-DNA position 290, 2 bases deleted (GT; older notation c.290+1_290+2delGT).
Molecular consequence: splice donor variant.
Genome position (GRCh38, 1-based): chr19:1,207,204-1,207,205, GT deleted. VCF-style (leftmost placement, unchanged base first): chr19-1207203-AGT-A. GRCh37 (hg19) VCF-style: chr19-1207202-AGT-A.
Other names: c.290+1_290+2del (NM_001407255.1).
Identifiers: ClinVar variation 3148416 (VCV003148416.1), dbSNP rs2512921949, ClinGen allele CA2825002728.
Genomic context (GRCh38, chr19:1,207,203, plus strand): 5'-TCAAGATCCTCAAGAAGAAGAAGTTGCGAAGGATCCCCAACGGGGAGGCCAACGTGAAGA[AGT>A]AAGTATGGCTTGCTGGGGTCGGGGCCGGGCCGGGCCAGTCACGGTGCTGATGGTTCTGTC-3'